The following is an entry in ClinVar:

NM_194277.3(FRMD7):c.163-2A>T

Gene: FRMD7 (FERM domain containing 7; minus strand). Cytogenetic location: Xq26.2.
Variant type: single nucleotide variant.
Coding change: c.163-2A>T on transcript NM_194277.3 (MANE Select); the canonical splice acceptor site of the intron before coding-DNA position 163, A replaced by T.
Molecular consequence: splice acceptor variant.
Genome position (GRCh38, 1-based): chrX:132,099,512, T>A on the plus strand (A>T on the coding strand, the complement: FRMD7 is on the minus strand). VCF-style: chrX-132099512-T-A. GRCh37 (hg19) VCF-style: chrX-131233540-T-A.
Other names: c.163-2A>T (NM_001306193.2).
Identifiers: ClinVar variation 956676 (VCV000956676.8), dbSNP rs1928436463, ClinGen allele CA414682082.
Genomic context (GRCh38, chrX:132,099,512, plus strand): 5'-GATTTTCCATACTTACTTTTTACCTGCTTTGTTATGGGCTTCAAAAGCTCCAGCCAAACC[T>A]GTAATAACATTAAGGAAAAAATTGGTAGAGCATGGCATTGAGCAGAGCTTTTTTTTTTTC-3'

ClinVar aggregate classification (germline): Pathogenic (1 of 4 stars; one submission).

Submission:

Labcorp Genetics (formerly Invitae), Labcorp
Classification: Pathogenic. Last evaluated: 2021-08-02. Review status: criteria provided, single submitter. Criteria: Invitae Variant Classification Sherloc (09022015). Collection method: clinical testing. Allele origin: germline.
Comment: This variant is not present in population databases (ExAC no frequency). This sequence change affects an acceptor splice site in intron 2 of the FRMD7 gene. It is expected to disrupt RNA splicing. Variants that disrupt the donor or acceptor splice site typically lead to a loss of protein function (PMID: 16199547), and loss-of-function variants in FRMD7 are known to be pathogenic (PMID: 17013395). Disruption of this splice site has been observed in individual(s) with congenital nystagmus (PMID: 22262942). It has also been observed to segregate with disease in related individuals. For these reasons, this variant has been classified as Pathogenic. Algorithms developed to predict the effect of sequence changes on RNA splicing suggest that this variant may disrupt the consensus splice site. ClinVar contains an entry for this variant (Variation ID: 956676).

Literature cited by the submitters: PubMed 16199547; PubMed 17013395; PubMed 22262942.